The following is an entry in ClinVar:

NM_006850.3(IL24):c.240+99C>T

Gene: IL24 (interleukin 24; plus strand). Cytogenetic location: 1q32.1.
Variant type: single nucleotide variant.
Coding change: c.240+99C>T on transcript NM_006850.3 (MANE Select); 99 bases into the intron after coding-DNA position 240, C replaced by T.
Molecular consequence: intron variant.
Genome position (GRCh38, 1-based): chr1:206,899,614, C>T. VCF-style: chr1-206899614-C-T. GRCh37 (hg19) VCF-style: chr1-207072959-C-T.
Other names: c.243+99C>T (NM_001185156.1, NM_001185157.1); c.45-681C>T (NM_001185158.1).
Identifiers: ClinVar variation 2688458 (VCV002688458.2), dbSNP rs1150255, ClinGen allele CA10856188.
Genomic context (GRCh38, chr1:206,899,614, plus strand): 5'-CCTGGGGGCAGTGGGCCAGTGGGGCGAGGGGATGCTATTTTATGATTCTGGAGTCCTTCA[C>T]AGCTTGCTAATCAGTTTCCAGTTTCCCATATAATAACTCTGTGAGGTCAGAAGGCACCAC-3'

ClinVar aggregate classification (germline): Benign (1 of 4 stars; one submission).

Allele frequency attached by ClinVar (database versions not stated): 1000 Genomes Project 0.30990; 1000 Genomes Project 30x 0.31309; gnomAD 0.39279; TOPMed 0.39475; gnomAD exomes 0.43862.
gnomAD v4.1: 423,291 of 981,556 alleles (43%); highest among the groups gnomAD compares: Middle Eastern, 49%; 94,226 homozygotes.

Submission:

Unidad de Genómica Garrahan, Hospital de Pediatría Garrahan
Classification: Benign. Last evaluated: 2024-01-24. Review status: criteria provided, single submitter. Criteria: ACMG Guidelines, 2015. Collection method: clinical testing. Allele origin: germline. Affected: no. Observed: 27 variant alleles.
Comment: This variant is classified as Benign based on local population frequency. This variant was detected in 31% of patients studied by a panel of primary immunodeficiencies. Number of patients: 27. Only high quality variants are reported.